The following is an entry in ClinVar:

NM_001267550.2(TTN):c.59248G>A (p.Gly19750Ser)

Genes: TTN (titin; minus strand), TTN-AS1 (TTN antisense RNA 1; plus strand). Cytogenetic location: 2q31.2.
Variant type: single nucleotide variant.
Coding change: c.59248G>A on transcript NM_001267550.2 (MANE Select); coding-DNA position 59248, G replaced by A.
Protein change: p.Gly19750Ser; replaces glycine 19750 with serine.
Molecular consequence: missense variant.
Genome position (GRCh38, 1-based): chr2:178,592,871, C>T on the plus strand (G>A on the coding strand, the complement: TTN is on the minus strand). VCF-style: chr2-178592871-C-T. GRCh37 (hg19) VCF-style: chr2-179457598-C-T.
Other names: c.54325G>A, p.Gly18109Ser (NM_001256850.1); c.32053G>A, p.Gly10685Ser (NM_003319.4); c.51544G>A, p.Gly17182Ser (NM_133378.4); c.32428G>A, p.Gly10810Ser (NM_133432.3); c.32629G>A, p.Gly10877Ser (NM_133437.4); c.59248G>A (NM_001267550.1); short protein forms G19750S, G17182S, G18109S, G10685S, G10810S, G10877S.
Identifiers: ClinVar variation 130675 (VCV000130675.30), dbSNP rs200732032, ClinGen allele CA231599.

ClinVar aggregate classification (germline): Conflicting classifications of pathogenicity. Review status: criteria provided, conflicting classifications (1 of 4 stars). 17 submissions from 13 submitters: Uncertain significance (9); Benign (2); Likely benign (6). Last evaluated 2025-09-15.

Conditions:
TTN-related disorder. Also called: TTN-related disorders; TTN-related condition; TTN-related disease.
Cardiovascular phenotype. Identifiers: MedGen CN230736.
Dilated cardiomyopathy 1G (CMD1G). Identifiers: Orphanet 154, MedGen C1858763, MONDO:0011400, OMIM 604145.
Autosomal recessive limb-girdle muscular dystrophy type 2J (LGMDR10). Also called: Limb-girdle muscular dystrophy, type 2J; MUSCULAR DYSTROPHY, LIMB-GIRDLE, AUTOSOMAL RECESSIVE 10. Identifiers: Orphanet 140922, MedGen C1837342, MONDO:0012127, OMIM 608807.
Early-onset myopathy with fatal cardiomyopathy (CMYO5). Also called: Salih Myopathy; CONGENITAL MYOPATHY 5 WITH CARDIOMYOPATHY. Identifiers: Orphanet 289377, MedGen C2673677, MONDO:0012714, OMIM 611705. Disease mechanism: loss of function.
Tibial muscular dystrophy (TMD). Also called: UDD MYOPATHY; Udd Distal Myopathy – Tibial Muscular Dystrophy; Tibial muscular dystrophy, tardive. Identifiers: Orphanet 609, MedGen C1838244, MONDO:0010870, OMIM 600334.
Myopathy, myofibrillar, 9, with early respiratory failure (MFM9). Also called: Hereditary myopathy with early respiratory failure; EDSTROM MYOPATHY; MYOPATHY, PROXIMAL, WITH EARLY RESPIRATORY MUSCLE INVOLVEMENT; Myopathy, distal, with early respiratory failure, autosomal dominant. Identifiers: Orphanet 178464, Orphanet 34521, MedGen C1863599, MONDO:0011362, OMIM 603689.

Allele frequency attached by ClinVar (database versions not stated): ExAC 0.00008; gnomAD 0.00010 and 0.00011; gnomAD exomes 0.00011; TOPMed 0.00012; ESP Exome Variant Server 0.00033.
gnomAD v4.1: 445 of 1,613,304 alleles (0.028%); highest among the groups gnomAD compares: Non-Finnish European, 0.036%; 1 homozygote.

Submissions (17):

GeneDx
Classification: Uncertain significance. Last evaluated: 2025-09-15. Review status: criteria provided, single submitter. Criteria: GeneDx Variant Classification Process June 2021. Collection method: clinical testing. Allele origin: germline. Affected: yes.
Comment: Missense variant in a gene in which most reported pathogenic variants are truncating/loss of function; Reported in published literature in an individual with dilated cardiomyopathy, an individual with hypertrophic cardiomyopathy, as well as in a healthy control (PMID: 23396983, 31983221); This variant is associated with the following publications: (PMID: 17344846, 23861362, 31983221, 34740920, 23396983)

PreventionGenetics, part of Exact Sciences
Classification: Likely benign for TTN-related condition. Last evaluated: 2025-07-28. Review status: criteria provided, single submitter. Criteria: ACMG Guidelines, 2015. Collection method: clinical testing. Allele origin: germline.
Comment: This variant is classified as likely benign based on ACMG/AMP sequence variant interpretation guidelines (Richards et al. 2015 PMID: 25741868, with internal and published modifications).

Revvity Omics, Revvity
Classification: Uncertain significance. Last evaluated: 2025-04-23. Review status: criteria provided, single submitter. Criteria: ACMG Guidelines, 2015. Collection method: clinical testing. Allele origin: germline.

Molecular Diagnostic Laboratory for Inherited Cardiovascular Disease, Montreal Heart Institute
Classification: Likely benign. Last evaluated: 2025-04-09. Review status: criteria provided, single submitter. Criteria: ACMG Guidelines, 2015. Collection method: clinical testing. Allele origin: germline. Affected: no.

Blueprint Genetics
Classification: Likely benign. Last evaluated: 2024-10-14. Review status: criteria provided, single submitter. Criteria: ACMG Guidelines, 2015. Collection method: clinical testing. Allele origin: germline.

ARUP Laboratories, Molecular Genetics and Genomics, ARUP Laboratories
Classification: Uncertain significance. Last evaluated: 2024-08-09. Review status: criteria provided, single submitter. Criteria: ARUP Molecular Germline Variant Investigation Process 2024. Collection method: clinical testing. Allele origin: germline.
Comment: The TTN c.59248G>A; p.Gly19750Ser variant (rs200732032; ClinVar Variation ID: 47248) is rare in the general population (<0.2% allele frequency in the Genome Aggregation Database). This variant is reported in the literature in an individual with dilated cardiomyopathy (DCM; Mazzarotto 2020) and in an individual with limb-girdle muscular dystrophy (Cloney 2022). The clinical relevance of rare missense variants in this gene, which are identified on average once per individual sequenced in affected populations (Herman 2012), is not well understood. Yet, evidence suggests that the vast majority of such missense variants do not contribute to the clinical outcome of DCM (Begay 2015). Thus, the clinical significance of the p.Gly19750Ser variant cannot be determined with certainty. References: Begay RL et al. Role of Titin Missense Variants in Dilated Cardiomyopathy. J Am Heart Assoc. 2015 Nov 13;4(11). PMID: 26567375. Cloney T et al. Lessons learnt from multifaceted diagnostic approaches to the first 150 families in Victoria's Undiagnosed Diseases Program. J Med Genet. 2022 Aug;59(8):748-758. PMID: 34740920. Herman DS et al. Truncations of titin causing dilated cardiomyopathy. N Engl J Med. 2012 Feb 16;366(7):619-28. PMID: 22335739. Linke WA and Hamdani N. Gigantic business: titin properties and function through thick and thin. Circ Res 2014; 114(6): 1052-1068. PMID: 24625729. Mazzarotto F et al. Reevaluating the Genetic Contribution of Monogenic Dilated Cardiomyopathy. Circulation. 2020 Feb 4;141(5):387-398. PMID: 31983221.

Athena Diagnostics
Classification: Uncertain significance. Last evaluated: 2024-06-26. Review status: criteria provided, single submitter. Criteria: Athena Diagnostics Criteria. Collection method: clinical testing. Allele origin: unknown.
Comment: Available data are insufficient to determine the clinical significance of the variant at this time. The frequency of this variant in the general population is higher than would generally be expected for pathogenic variants in this gene. Polyphen and MutationTaster yielded discordant predictions regarding whether this amino acid change is damaging to the protein.

Ambry Genetics
Classification: Likely benign for Cardiovascular phenotype. Last evaluated: 2020-02-28. Review status: criteria provided, single submitter. Criteria: Ambry Variant Classification Scheme 2023. Collection method: clinical testing. Allele origin: germline.

Labcorp Genetics (formerly Invitae), Labcorp
Classification: Uncertain significance for Dilated cardiomyopathy 1G; Autosomal recessive limb-girdle muscular dystrophy type 2J. Last evaluated: 2017-10-12. Review status: criteria provided, single submitter. Criteria: Invitae Variant Classification Sherloc (09022015). Collection method: clinical testing. Allele origin: germline.

Illumina Laboratory Services, Illumina
Classification: Uncertain significance for Early-onset myopathy with fatal cardiomyopathy. Last evaluated: 2017-04-27. Review status: criteria provided, single submitter. Criteria: ICSL Variant Classification Criteria 13 December 2019. Collection method: clinical testing. Allele origin: germline.

Illumina Laboratory Services, Illumina
Classification: Benign for Myopathy, myofibrillar, 9, with early respiratory failure. Last evaluated: 2017-04-27. Review status: criteria provided, single submitter. Criteria: ICSL Variant Classification Criteria 13 December 2019. Collection method: clinical testing. Allele origin: germline.
Comment: This variant was observed as part of a predisposition screen in an ostensibly healthy population. A literature search was performed for the gene, cDNA change, and amino acid change (where applicable). No publications were found based on this search. Allele frequency data from public databases was too high to be consistent with this variant causing disease. Therefore, this variant is classified as benign.

Illumina Laboratory Services, Illumina
Classification: Benign for Tibial muscular dystrophy. Last evaluated: 2017-04-27. Review status: criteria provided, single submitter. Criteria: ICSL Variant Classification Criteria 13 December 2019. Collection method: clinical testing. Allele origin: germline.
Comment: the same text as in the submission from Illumina Laboratory Services, Illumina above.

Illumina Laboratory Services, Illumina
Classification: Likely benign for Dilated cardiomyopathy 1G. Last evaluated: 2017-04-27. Review status: criteria provided, single submitter. Criteria: ICSL Variant Classification Criteria 13 December 2019. Collection method: clinical testing. Allele origin: germline.
Comment: This variant was observed as part of a predisposition screen in an ostensibly healthy population. A literature search was performed for the gene, cDNA change, and amino acid change (where applicable). Publications were found based on this search. The evidence from the literature, in combination with allele frequency data from public databases where available, was sufficient to determine this variant is unlikely to cause disease. Therefore, this variant is classified as likely benign.

Illumina Laboratory Services, Illumina
Classification: Uncertain significance for Autosomal recessive limb-girdle muscular dystrophy type 2J. Last evaluated: 2017-04-27. Review status: criteria provided, single submitter. Criteria: ICSL Variant Classification Criteria 13 December 2019. Collection method: clinical testing. Allele origin: germline.

Eurofins Ntd Llc (ga)
Classification: Uncertain significance. Last evaluated: 2017-04-25. Review status: criteria provided, single submitter. Criteria: EGL Classification Definitions 2015. Collection method: clinical testing. Allele origin: germline. Observed: 3 variant alleles, 3 heterozygotes.

Genetic Services Laboratory, University of Chicago
Classification: Uncertain significance. Last evaluated: 2013-12-23. Review status: criteria provided, single submitter. Criteria: ACMG Guidelines, 2007. Collection method: clinical testing. Allele origin: germline.

Biesecker Lab/Clinical Genomics Section, National Institutes of Health
Classification: Likely benign. Last evaluated: 2013-06-24. Review status: criteria provided, single submitter. Criteria: Ng et al. (Circ Cardiovasc Genet. 2013). Collection method: research. Allele origin: unknown. Observed: 2 variant alleles. Study: ClinSeq.
Comment: The study set was not selected for affection status in relation to any cancer. Pathogenicity categories were based on literature curation. See Pubmed ID:23861362 for details.

Medical sequencing

Literature cited by the submitters: PubMed 23861362 (cited by Athena Diagnostics and Illumina Laboratory Services, Illumina); PubMed 31983221 (cited by Athena Diagnostics).